The following is an entry in ClinVar:

NM_153006.3(NAGS):c.106_107del (p.Arg36fs)

Gene: NAGS (N-acetylglutamate synthase; plus strand). Cytogenetic location: 17q21.31.
Variant type: Microsatellite.
Coding change: c.106_107del on transcript NM_153006.3 (MANE Select); coding-DNA positions 106 to 107, 2 bases deleted (CG; older notation c.106_107delCG).
Protein change: p.Arg36fs; shifts the reading frame from arginine 36.
Molecular consequence: frameshift variant.
Genome position (GRCh38, 1-based): chr17:44,004,769-44,004,770, CG deleted; deleting any 2 consecutive bases within chr17:44,004,764-44,004,770 gives the same sequence; the c. name uses the placement nearest the transcript's 3' end. VCF-style (leftmost placement, unchanged base first): chr17-44004763-GGC-G. GRCh37 (hg19) VCF-style: chr17-42082131-GGC-G.
Other names: short protein forms R36fs.
Identifiers: ClinVar variation 1457560 (VCV001457560.6), dbSNP rs2143978561, ClinGen allele CA2580613143.

ClinVar aggregate classification (germline): Pathogenic (1 of 4 stars; one submission).

Conditions:
Hyperammonemia, type III (NAGSD). Also called: Hyperammonemia due to N-acetylglutamate synthase deficiency. Identifiers: Orphanet 927, MedGen C0268543, MONDO:0009377, OMIM 237310.

Submission:

Labcorp Genetics (formerly Invitae), Labcorp
Classification: Pathogenic for Hyperammonemia, type III. Last evaluated: 2021-01-01. Review status: criteria provided, single submitter. Criteria: Invitae Variant Classification Sherloc (09022015). Collection method: clinical testing. Allele origin: germline.
Comment: This sequence change creates a premature translational stop signal (p.Arg36Alafs*259) in the NAGS gene. It is expected to result in an absent or disrupted protein product. Loss-of-function variants in NAGS are known to be pathogenic (PMID: 12594532). This variant is not present in population databases (ExAC no frequency). This variant has not been reported in the literature in individuals with NAGS-related conditions. For these reasons, this variant has been classified as Pathogenic.

Literature cited by the submitters: PubMed 12594532.